The following is an entry in ClinVar:

NM_018444.4(PDP1):c.457C>T (p.Gln153Ter)

Gene: PDP1 (pyruvate dehydrogenase phosphatase catalytic subunit 1; plus strand). Cytogenetic location: 8q22.1.
Variant type: single nucleotide variant.
Coding change: c.457C>T on transcript NM_018444.4 (MANE Select); coding-DNA position 457, C replaced by T.
Protein change: p.Gln153Ter; replaces glutamine 153 with a stop codon.
Molecular consequence: nonsense.
Genome position (GRCh38, 1-based): chr8:93,922,516, C>T. VCF-style: chr8-93922516-C-T. GRCh37 (hg19) VCF-style: chr8-94934744-C-T.
Other names: c.532C>T, p.Gln178Ter (NM_001161779.2, NM_001161780.2); c.457C>T, p.Gln153Ter (NM_001161781.2); short protein forms Q153*, Q178*.
Identifiers: ClinVar variation 1486444 (VCV001486444.3), dbSNP rs2130386121, ClinGen allele CA371692316.

ClinVar aggregate classification (germline): Uncertain significance (1 of 4 stars; one submission).

Submission:

Labcorp Genetics (formerly Invitae), Labcorp
Classification: Uncertain significance. Last evaluated: 2022-08-19. Review status: criteria provided, single submitter. Criteria: Invitae Variant Classification Sherloc (09022015). Collection method: clinical testing. Allele origin: germline.
Comment: This sequence change creates a premature translational stop signal (p.Gln153*) in the PDP1 gene. While this is not anticipated to result in nonsense mediated decay, it is expected to disrupt the last 385 amino acid(s) of the PDP1 protein. This variant is not present in population databases (gnomAD no frequency). This variant has not been reported in the literature in individuals affected with PDP1-related conditions. ClinVar contains an entry for this variant (Variation ID: 1486444). Experimental studies and prediction algorithms are not available or were not evaluated, and the functional significance of this variant is currently unknown. In summary, the available evidence is currently insufficient to determine the role of this variant in disease. Therefore, it has been classified as a Variant of Uncertain Significance.